The following is an entry in ClinVar:

ClinVar aggregate classification (germline): Uncertain significance. Review status: criteria provided, multiple submitters, no conflicts (2 of 4 stars). 3 submissions from 3 submitters: Uncertain significance (2). 1 of the submissions does not count toward it. Last evaluated 2025-06-14.

Conditions:
Fanconi anemia (FA). Also called: Fanconi's anemia. Identifiers: Orphanet 84, MedGen C0015625, MeSH D005199, MONDO:0019391.
Fanconi anemia complementation group A (FANCA). Also called: Fanconi anemia, group A; FANCA-Related Fanconi Anemia. Identifiers: Orphanet 84, MedGen C3469521, MONDO:0009215, OMIM 227650.

Allele frequency attached by ClinVar (database versions not stated): gnomAD 0.00001 and 0.00002; gnomAD exomes 0.00001; ExAC 0.00002; 1000 Genomes Project 0.00020; 1000 Genomes Project 30x 0.00031.

Submissions (3):

Labcorp Genetics (formerly Invitae), Labcorp
Classification: Uncertain significance for Fanconi anemia. Last evaluated: 2025-06-14. Review status: criteria provided, single submitter. Criteria: Invitae Variant Classification Sherloc (09022015). Collection method: clinical testing. Allele origin: germline.
Comment: This sequence change replaces serine, which is neutral and polar, with arginine, which is basic and polar, at codon 466 of the FANCA protein (p.Ser466Arg). This variant is present in population databases (rs565303230, gnomAD 0.02%). This variant has not been reported in the literature in individuals affected with FANCA-related conditions. ClinVar contains an entry for this variant (Variation ID: 1037095). Invitae Evidence Modeling of protein sequence and biophysical properties (such as structural, functional, and spatial information, amino acid conservation, physicochemical variation, residue mobility, and thermodynamic stability) has been performed for this missense variant. However, the output from this modeling did not meet the statistical confidence thresholds required to predict the impact of this variant on FANCA protein function. In summary, the available evidence is currently insufficient to determine the role of this variant in disease. Therefore, it has been classified as a Variant of Uncertain Significance.

Fulgent Genetics
Classification: Uncertain significance for Fanconi anemia complementation group A. Last evaluated: 2024-01-16. Review status: criteria provided, single submitter. Criteria: ACMG Guidelines, 2015. Collection method: clinical testing. Allele origin: germline.

Natera, Inc.
Classification: Uncertain significance for Fanconi anemia. Last evaluated: 2020-04-07. Review status: no assertion criteria provided. Collection method: clinical testing. Allele origin: germline. Not counted in ClinVar's aggregate classification.

NM_000135.4(FANCA):c.1398C>G (p.Ser466Arg)

Gene: FANCA (FA complementation group A; minus strand). Cytogenetic location: 16q24.3.
Variant type: single nucleotide variant.
Coding change: c.1398C>G on transcript NM_000135.4 (MANE Select); coding-DNA position 1398, C replaced by G.
Protein change: p.Ser466Arg; replaces serine 466 with arginine.
Molecular consequence: missense variant.
Genome position (GRCh38, 1-based): chr16:89,784,926, G>C on the plus strand (C>G on the coding strand, the complement: FANCA is on the minus strand). VCF-style: chr16-89784926-G-C. GRCh37 (hg19) VCF-style: chr16-89851334-G-C.
Other names: c.1398C>G, p.Ser466Arg (NM_001286167.3); short protein forms S466R.
Identifiers: ClinVar variation 1037095 (VCV001037095.9), dbSNP rs565303230, ClinGen allele CA8252346.